The following is an entry in ClinVar:

NM_005476.7(GNE):c.2029C>T (p.His677Tyr)

Gene: GNE (glucosamine (UDP-N-acetyl)-2-epimerase/N-acetylmannosamine kinase; minus strand). Cytogenetic location: 9p13.3.
Variant type: single nucleotide variant.
Coding change: c.2029C>T on transcript NM_005476.7 (MANE Select); coding-DNA position 2029, C replaced by T.
Protein change: p.His677Tyr; replaces histidine 677 with tyrosine.
Molecular consequence: missense variant.
Genome position (GRCh38, 1-based): chr9:36,217,505, G>A on the plus strand (C>T on the coding strand, the complement: GNE is on the minus strand). VCF-style: chr9-36217505-G-A. GRCh37 (hg19) VCF-style: chr9-36217502-G-A.
Other names: c.2122C>T, p.His708Tyr (NM_001128227.3); c.1807C>T, p.His603Tyr (NM_001190383.3); c.1699C>T, p.His567Tyr (NM_001190384.3); c.1852C>T, p.His618Tyr (NM_001190388.2, NM_001374798.1); c.1876C>T, p.His626Tyr (NM_001374797.1); short protein forms H708Y, H677Y, H567Y, H603Y, H626Y, H618Y.
Identifiers: ClinVar variation 286153 (VCV000286153.14), dbSNP rs527267621, ClinGen allele CA5056369.

ClinVar aggregate classification (germline): Uncertain significance. Review status: criteria provided, multiple submitters, no conflicts (2 of 4 stars). 4 submissions from 4 submitters: Uncertain significance (3). 1 of the submissions does not count toward it. Last evaluated 2025-07-31.

Conditions:
Sialuria. Also called: Sialic Acid Storage Disease; SIALURIA, FRENCH TYPE. Identifiers: Orphanet 3166, MedGen C0342853, MONDO:0010028, OMIM 269921.
GNE myopathy (NM). Also called: NONAKA DISTAL MYOPATHY; IBM 2; Inclusion body myopathy autosomal recessive; Inclusion body myopathy quadriceps sparing; INCLUSION BODY MYOPATHY, HEREDITARY, AUTOSOMAL RECESSIVE; INCLUSION BODY MYOPATHY 2, AUTOSOMAL RECESSIVE. Identifiers: Orphanet 602, MedGen C1853926, MONDO:0011603, OMIM 605820.

Allele frequency attached by ClinVar (database versions not stated): ExAC 0.00001; gnomAD 0.00001; TOPMed 0.00001; gnomAD exomes 0.00002; 1000 Genomes Project 30x 0.00016; 1000 Genomes Project 0.00020.
gnomAD v4.1: 10 of 1,613,872 alleles (0.00062%); highest among the groups gnomAD compares: South Asian, 0.0011%; no homozygotes.

Submissions (4):

Labcorp Genetics (formerly Invitae), Labcorp
Classification: Uncertain significance for Sialuria; GNE myopathy. Last evaluated: 2025-07-31. Review status: criteria provided, single submitter. Criteria: Invitae Variant Classification Sherloc (09022015). Collection method: clinical testing. Allele origin: germline.
Comment: This sequence change replaces histidine, which is basic and polar, with tyrosine, which is neutral and polar, at codon 708 of the GNE protein (p.His708Tyr). This variant is present in population databases (rs527267621, gnomAD 0.003%). This variant has not been reported in the literature in individuals affected with GNE-related conditions. ClinVar contains an entry for this variant (Variation ID: 286153). Invitae Evidence Modeling of protein sequence and biophysical properties (such as structural, functional, and spatial information, amino acid conservation, physicochemical variation, residue mobility, and thermodynamic stability) has been performed for this missense variant. However, the output from this modeling did not meet the statistical confidence thresholds required to predict the impact of this variant on GNE protein function. In summary, the available evidence is currently insufficient to determine the role of this variant in disease. Therefore, it has been classified as a Variant of Uncertain Significance.

GeneDx
Classification: Uncertain significance. Last evaluated: 2017-02-28. Review status: criteria provided, single submitter. Criteria: GeneDx Variant Classification (06012015). Collection method: clinical testing. Allele origin: germline. Affected: yes.
Comment: The H708Y variant has not been published as a pathogenic variant, nor has it been reported as a benign variant to our knowledge. The H708Y variant is not observed at a significant frequency in large population cohorts (Lek et al., 2016; 1000 Genomes Consortium et al., 2015; Exome Variant Server). This variant is a non-conservative amino acid substitution, which is likely to impact secondary protein structure as these residues differ in polarity, charge, size and/or other properties. Missense variants in nearby residues (Y706H; V710G) have been reported in the Human Gene Mutation Database in association with GNE myopathy (Stenson et al., 2014); however, the H708Y substitution occurs at a position that is not conserved. In silico analysis is inconsistent in its predictions as to whether or not the variant is damaging to the protein structure/function.

Eurofins Ntd Llc (ga)
Classification: Uncertain significance. Last evaluated: 2016-02-11. Review status: criteria provided, single submitter. Criteria: EGL Classification Definitions 2015. Collection method: clinical testing. Allele origin: germline. Observed: 1 variant allele, 1 heterozygote.

Natera, Inc.
Classification: Uncertain significance for Nonaka myopathy. Last evaluated: 2020-09-16. Review status: no assertion criteria provided. Collection method: clinical testing. Allele origin: germline. Not counted in ClinVar's aggregate classification.